The following is an entry in ClinVar:

ClinVar aggregate classification (germline): Uncertain significance (1 of 4 stars; one submission).

Conditions:
Charcot-Marie-Tooth disease type 4. Also called: Charcot-Marie-Tooth disease, type IV; Charcot-Marie-Tooth, Type 4. Identifiers: Orphanet 64749, MedGen C4082197, MONDO:0018995.

gnomAD v4.1: 3 of 1,614,222 alleles (0.00019%); highest among the groups gnomAD compares: Non-Finnish European, 0.00025%; no homozygotes.

Submission:

Labcorp Genetics (formerly Invitae), Labcorp
Classification: Uncertain significance for Charcot-Marie-Tooth disease type 4. Last evaluated: 2022-11-01. Review status: criteria provided, single submitter. Criteria: Invitae Variant Classification Sherloc (09022015). Collection method: clinical testing. Allele origin: germline.
Comment: This sequence change replaces valine, which is neutral and non-polar, with methionine, which is neutral and non-polar, at codon 1122 of the SH3TC2 protein (p.Val1122Met). This variant is not present in population databases (gnomAD no frequency). This variant has not been reported in the literature in individuals affected with SH3TC2-related conditions. ClinVar contains an entry for this variant (Variation ID: 543339). Advanced modeling of protein sequence and biophysical properties (such as structural, functional, and spatial information, amino acid conservation, physicochemical variation, residue mobility, and thermodynamic stability) performed at Invitae indicates that this missense variant is not expected to disrupt SH3TC2 protein function. In summary, the available evidence is currently insufficient to determine the role of this variant in disease. Therefore, it has been classified as a Variant of Uncertain Significance.

NM_024577.4(SH3TC2):c.3364G>A (p.Val1122Met)

Gene: SH3TC2 (SH3 domain and tetratricopeptide repeats 2; minus strand). Cytogenetic location: 5q32.
Variant type: single nucleotide variant.
Coding change: c.3364G>A on transcript NM_024577.4 (MANE Select); coding-DNA position 3364, G replaced by A.
Protein change: p.Val1122Met; replaces valine 1122 with methionine.
Molecular consequence: missense variant.
Genome position (GRCh38, 1-based): chr5:149,008,965, C>T on the plus strand (G>A on the coding strand, the complement: SH3TC2 is on the minus strand). VCF-style: chr5-149008965-C-T. GRCh37 (hg19) VCF-style: chr5-148388528-C-T.
Other names: short protein forms V1122M.
Identifiers: ClinVar variation 543339 (VCV000543339.6), dbSNP rs1554120326, ClinGen allele CA361664689.